The following is an entry in ClinVar:

ClinVar aggregate classification (germline): Uncertain significance (1 of 4 stars; one submission).

Conditions:
Hereditary cancer-predisposing syndrome. Also called: Neoplastic Syndromes, Hereditary; Tumor predisposition; Hereditary Cancer Syndrome; Hereditary neoplastic syndrome. Identifiers: Orphanet 140162, MedGen C0027672, MeSH D009386, MONDO:0015356.

Allele frequency attached by ClinVar (database versions not stated): TOPMed below 0.00001; gnomAD 0.00001.
gnomAD v4.1: 1 of 1,613,940 alleles (0.000062%); highest among the groups gnomAD compares: Non-Finnish European, 0.000085%; no homozygotes.

Submission:

Color Diagnostics, LLC DBA Color Health
Classification: Uncertain significance for Hereditary cancer-predisposing syndrome. Last evaluated: 2024-03-06. Review status: criteria provided, single submitter. Criteria: ACMG Guidelines, 2015. Collection method: clinical testing. Allele origin: germline.
Comment: This missense variant replaces proline with threonine at codon 1424 of the APC protein. Computational prediction is inconclusive regarding the impact of this variant on protein structure and function (internally defined REVEL score threshold 0.5 < inconclusive < 0.7, PMID: 27666373). Splice site prediction tools suggest that this variant may not impact RNA splicing. To our knowledge, functional studies have not been performed for this variant. This variant has not been reported in individuals affected with hereditary cancer in the literature. This variant has not been identified in the general population by the Genome Aggregation Database (gnomAD). The available evidence is insufficient to determine the role of this variant in disease conclusively. Therefore, this variant is classified as a Variant of Uncertain Significance.

NM_000038.6(APC):c.4270C>A (p.Pro1424Thr)

Gene: APC (APC regulator of Wnt signaling pathway; plus strand). Cytogenetic location: 5q22.2.
Variant type: single nucleotide variant.
Coding change: c.4270C>A on transcript NM_000038.6 (MANE Select); coding-DNA position 4270, C replaced by A.
Protein change: p.Pro1424Thr; replaces proline 1424 with threonine.
Molecular consequence: missense variant.
Genome position (GRCh38, 1-based): chr5:112,839,864, C>A. VCF-style: chr5-112839864-C-A. GRCh37 (hg19) VCF-style: chr5-112175561-C-A.
Other names: c.4270C>A, p.Pro1424Thr (NM_001127510.3, NM_001354895.2); c.4216C>A, p.Pro1406Thr (NM_001127511.3); c.4324C>A, p.Pro1442Thr (NM_001354896.2); c.4300C>A, p.Pro1434Thr (NM_001354897.2); c.4195C>A, p.Pro1399Thr (NM_001354898.2); c.4186C>A, p.Pro1396Thr (NM_001354899.2); c.4147C>A, p.Pro1383Thr (NM_001354900.2); c.4093C>A, p.Pro1365Thr (NM_001354901.2); and 5 more; short protein forms P1298T, P1396T, P1434T, P1264T, P1399T, P1424T, P1442T, P1141T.
Identifiers: ClinVar variation 922563 (VCV000922563.4), dbSNP rs1554085700, ClinGen allele CA16030686.
Genomic context (GRCh38, chr5:112,839,864, plus strand): 5'-TCCGTTCAGAGTGAACCATGCAGTGGAATGGTAAGTGGCATTATAAGCCCCAGTGATCTT[C>A]CAGATAGCCCTGGACAAACCATGCCACCAAGCAGAAGTAAAACACCTCCACCACCTCCTC-3'
Protein context (NP_000029.2, residues 1414-1434): VSGIISPSDL[Pro1424Thr]DSPGQTMPPS